The following is an entry in ClinVar:

ClinVar aggregate classification (germline): Uncertain significance. Review status: criteria provided, multiple submitters, no conflicts (2 of 4 stars). 3 submissions from 3 submitters: Uncertain significance (3). Last evaluated 2025-10-07.

Conditions:
Familial cancer of breast. Also called: Hereditary breast cancer; hereditary breast carcinoma; BREAST CANCER, FAMILIAL. Identifiers: Orphanet 227535, MedGen C0346153, MONDO:0016419, OMIM 114480. Disease mechanism: loss of function.
Ataxia-telangiectasia syndrome (AT). Also called: Ataxia-telangiectasia, complementation group D; AT, COMPLEMENTATION GROUP C; Ataxia-telangiectasia; Ataxia telangiectasia (A-T); Ataxia-telangiectasia, complementation group E; Cerebello-oculocutaneous telangiectasia. Identifiers: Orphanet 100, MedGen C0004135, MONDO:0008840, OMIM 208900.

Allele frequency attached by ClinVar (database versions not stated): ExAC 0.00001.

Submissions (3):

Labcorp Genetics (formerly Invitae), Labcorp
Classification: Uncertain significance for Ataxia-telangiectasia syndrome. Last evaluated: 2025-10-07. Review status: criteria provided, single submitter. Criteria: Invitae Variant Classification Sherloc (09022015). Collection method: clinical testing. Allele origin: germline.
Comment: This sequence change replaces glutamic acid, which is acidic and polar, with glycine, which is neutral and non-polar, at codon 560 of the ATM protein (p.Glu560Gly). This variant is present in population databases (rs762476611, gnomAD 0.0009%). This variant has not been reported in the literature in individuals affected with ATM-related conditions. ClinVar contains an entry for this variant (Variation ID: 1408506). Invitae Evidence Modeling of protein sequence and biophysical properties (such as structural, functional, and spatial information, amino acid conservation, physicochemical variation, residue mobility, and thermodynamic stability) indicates that this missense variant is not expected to disrupt ATM protein function with a negative predictive value of 95%. In summary, the available evidence is currently insufficient to determine the role of this variant in disease. Therefore, it has been classified as a Variant of Uncertain Significance.

Center for Genomic Medicine, Rigshospitalet, Copenhagen University Hospital
Classification: Uncertain significance. Last evaluated: 2025-03-04. Review status: criteria provided, single submitter. Criteria: ACMG Guidelines, 2015. Collection method: clinical testing. Allele origin: germline.

Department of Clinical Genetics, Copenhagen University Hospital, Rigshospitalet
Classification: Uncertain significance for Familial cancer of breast; Ataxia-telangiectasia syndrome. Last evaluated: 2024-12-04. Review status: criteria provided, single submitter. Criteria: ACMG Guidelines, 2015. Collection method: clinical testing. Allele origin: germline. Affected: no.
Comment: The following ACMG criteria is used: PM2_Supporting (not reported in gnomAD); BP4 (Revel score 0.179)

NM_000051.4(ATM):c.1679A>G (p.Glu560Gly)

Gene: ATM (ATM serine/threonine kinase; plus strand). Cytogenetic location: 11q22.3.
Variant type: single nucleotide variant.
Coding change: c.1679A>G on transcript NM_000051.4 (MANE Select); coding-DNA position 1679, A replaced by G.
Protein change: p.Glu560Gly; replaces glutamic acid 560 with glycine.
Molecular consequence: missense variant.
Genome position (GRCh38, 1-based): chr11:108,251,908, A>G. VCF-style: chr11-108251908-A-G. GRCh37 (hg19) VCF-style: chr11-108122635-A-G.
Other names: c.1679A>G, p.Glu560Gly (NM_001351834.2); short protein forms E560G.
Identifiers: ClinVar variation 1408506 (VCV001408506.10), dbSNP rs762476611, ClinGen allele CA6264856.